The following is an entry in ClinVar:

NM_012144.4(DNAI1):c.501+1G>T

Gene: DNAI1 (dynein axonemal intermediate chain 1; plus strand). Cytogenetic location: 9p13.3.
Variant type: single nucleotide variant.
Coding change: c.501+1G>T on transcript NM_012144.4 (MANE Select); the canonical splice donor site of the intron after coding-DNA position 501, G replaced by T.
Molecular consequence: splice donor variant.
Genome position (GRCh38, 1-based): chr9:34,490,125, G>T. VCF-style: chr9-34490125-G-T. GRCh37 (hg19) VCF-style: chr9-34490123-G-T.
Other names: c.513+1G>T (NM_001281428.2).
Identifiers: ClinVar variation 2146470 (VCV002146470.4), dbSNP rs1824556879, ClinGen allele CA373246362.

ClinVar aggregate classification (germline): Likely pathogenic (1 of 4 stars; one submission).

Conditions:
Primary ciliary dyskinesia. Also called: Ciliary dyskinesia. Identifiers: Orphanet 244, MedGen C0008780, MONDO:0016575, HP:0012265.

Allele frequency attached by ClinVar (database versions not stated): gnomAD exomes below 0.00001.
gnomAD v4.1: 4 of 1,613,952 alleles (0.00025%); highest among the groups gnomAD compares: Non-Finnish European, 0.00034%; no homozygotes.

Submission:

Labcorp Genetics (formerly Invitae), Labcorp
Classification: Likely pathogenic for Primary ciliary dyskinesia. Last evaluated: 2023-10-23. Review status: criteria provided, single submitter. Criteria: Invitae Variant Classification Sherloc (09022015). Collection method: clinical testing. Allele origin: germline.
Comment: This sequence change affects a donor splice site in intron 6 of the DNAI1 gene. It is expected to disrupt RNA splicing. Variants that disrupt the donor or acceptor splice site typically lead to a loss of protein function (PMID: 16199547), and loss-of-function variants in DNAI1 are known to be pathogenic (PMID: 16858015, 29363216). This variant is not present in population databases (gnomAD no frequency). This variant has not been reported in the literature in individuals affected with DNAI1-related conditions. ClinVar contains an entry for this variant (Variation ID: 2146470). Algorithms developed to predict the effect of sequence changes on RNA splicing suggest that this variant may disrupt the consensus splice site. In summary, the currently available evidence indicates that the variant is pathogenic, but additional data are needed to prove that conclusively. Therefore, this variant has been classified as Likely Pathogenic.

Literature cited by the submitters: PubMed 16199547; PubMed 16858015; PubMed 29363216.